The following is an entry in ClinVar:

ClinVar aggregate classification (germline): Uncertain significance. Review status: criteria provided, multiple submitters, no conflicts (2 of 4 stars). 14 submissions from 14 submitters: Uncertain significance (13). 1 of the submissions does not count toward it. Last evaluated 2026-09-09.

Conditions:
VHL-related disorder. Also called: VHL-related condition.
Diffuse midline glioma, H3 K27-altered. Identifiers: MedGen C5669877, MONDO:1060171.
Von Hippel-Lindau syndrome (VHLS). Also called: VHL syndrome; Von Hippel-Lindau; von Hippel–Lindau syndrome. Identifiers: Orphanet 892, MedGen C0019562, MONDO:0008667, OMIM 193300. Disease mechanism: loss of function.
Chuvash polycythemia. Also called: POLYCYTHEMIA, VHL-DEPENDENT. Identifiers: Orphanet 238557, MedGen C1837915, MONDO:0009892, OMIM 263400.
Hereditary cancer-predisposing syndrome. Also called: Neoplastic Syndromes, Hereditary; Tumor predisposition; Hereditary neoplastic syndrome; Hereditary Cancer Syndrome. Identifiers: Orphanet 140162, MedGen C0027672, MeSH D009386, MONDO:0015356.
Pheochromocytoma. Also called: MAX-Related Hereditary Paraganglioma-Pheochromocytoma Syndrome. Identifiers: Orphanet 29072, MedGen C0031511, MONDO:0008233, OMIM 171300, HP:0002666.
Nonpapillary renal cell carcinoma. Identifiers: Orphanet 422526, MedGen CN074294, MONDO:0007763, OMIM 144700.

Allele frequency attached by ClinVar (database versions not stated): TOPMed 0.00007.

Submissions 1 to 5 of 14:

GeneDx
Classification: Uncertain significance. Last evaluated: 2026-09-09. Review status: criteria provided, single submitter. Criteria: GeneDx Variant Classification Process June 2021. Collection method: clinical testing. Allele origin: germline.
Comment: Observed in individuals with hemangioblastoma, renal cancer, pancreatic cancer, or other VHL-related tumors, but also in several individuals without personal history consistent with pathogenic variants in this gene in the literature and tested at GeneDx (PMID: 21463266, 28454591, 29978187, 35032816, 42363591, 39020067, 40248171); Nonsense variant in a gene for which loss-of-function is a known mechanism of disease; however, a downstream in-frame Methionine residue could serve as an alternate initiator codon which, if utilized, may result in a functional protein (PMID: 9751722, 9671762, 10102622); Not observed at significant frequency in large population cohorts (gnomAD); This variant is associated with the following publications: (PMID: 21463266, 27651169, 26681312, 28526081, 28454591, 28539463, 28873162, 29790589, 28492532, 29978187, 32994724, 10900011, 34566400, 35032816, Gaspar2024[CaseReport], 35150601, 40248171, 42363591, 39020067, 40974092, 9751722, 9671762, 10102622)

Labcorp Genetics (formerly Invitae), Labcorp
Classification: Uncertain significance for Von Hippel-Lindau syndrome; Chuvash polycythemia. Last evaluated: 2026-01-14. Review status: criteria provided, single submitter. Criteria: Invitae Variant Classification Sherloc (09022015). Collection method: clinical testing. Allele origin: germline.
Comment: This sequence change creates a premature translational stop signal (p.Glu52*) in the VHL gene. It is unclear whether it will result in an absent or disrupted protein product because an in-frame methionine located at codon 54 has the potential to rescue this variant. The frequency data for this variant in the population databases is considered unreliable, as metrics indicate poor data quality at this position in the gnomAD database. This premature translational stop signal has been observed in individual(s) with VHL-related conditions (PMID: 26681312, 27651169, 28454591, 34566400). ClinVar contains an entry for this variant (Variation ID: 182982). Several studies have shown that the VHL protein created from a downstream methionine located at codon 54 is biologically active, and exhibits properties similar to the full-length, wild-type protein (PMID: 9671762, 9751722). In summary, the available evidence is currently insufficient to determine the role of this variant in disease. Therefore, it has been classified as a Variant of Uncertain Significance.

PreventionGenetics, part of Exact Sciences
Classification: Uncertain significance for VHL-related condition. Last evaluated: 2025-12-08. Review status: criteria provided, single submitter. Criteria: ACMG Guidelines, 2015. Collection method: clinical testing. Allele origin: germline.
Comment: The VHL c.154G>T variant is predicted to result in premature protein termination (p.Glu52*). This variant has been reported in individuals with clinical features consistent with Von Hippel-Lindau syndrome (Leonardi et al. 2011. PubMed ID: 21463266; Camps et al. 2016. PubMed ID: 27651169; Carlo et al. 2018. PubMed ID: 29978187; Oliveira et al. 2018. PubMed ID: 29790589; Murro et al. 2021. PubMed ID: 34566400). This variant has also been reported in both heterozygous and homozygous states in several cancer patients who harbored one or more pathogenic variants in other cancer-causing genes (Table S1, Susswein et al. 2016. PubMed ID: 26681312; Cheng et al. 2017. PubMed ID: 28526081; Alanazi et al. 2020. Pub Med ID: 32994724). This variant is reported in 0.0033% of alleles in individuals of Latino descent in gnomAD, and several laboratories have interpreted it as uncertain in the ClinVar database (Variation ID: 182982). Of note, this variant is predicted to affect the stability of the long p30 isoform of VHL while allowing the translation of the functional p19 isoform from an alternate translation initiation site at p.Met54 (Camps et al. 2016. PubMed ID: 27651169; Iliopoulos et al. 1998. PubMed ID: 9751722). Taken together, the clinical significance of this variant is uncertain due to the absence of conclusive functional and genetic evidence.

Ambry Genetics
Classification: Uncertain significance for Hereditary cancer-predisposing syndrome. Last evaluated: 2024-12-20. Review status: criteria provided, single submitter. Criteria: Ambry Variant Classification Scheme 2023. Collection method: clinical testing. Allele origin: germline.
Comment: The p.E52* variant (also known as c.154G>T), located in coding exon 1 of the VHL gene, results from a G to T substitution at nucleotide position 154. This changes the amino acid from a glutamic acid to a stop codon within coding exon 1. This alteration was reported in a patient diagnosed with Von Hippel-Lindau syndrome (VHLS) and developed a retinal capillary hemangioblastoma and in an individual with a hemangioblastoma of the central nervous system and a pancreatic cyst/ tumor (Murro V et al. Mol Vis. 2021 Sep;27:542-554; Leonardi E et al. Ann. Hum. Genet. 2011 Jul; 75(4):483-96). It has also been observed in an individual with advanced renal cell carcinoma (Carlo MI et al. JAMA Oncol. 2018 09;4:1228-1235). This alteration has additionally been identified in a cohort of erythrocytosis patients (Camps C et al. Haematologica. 2016 Nov;101:1306-1318). Premature stop codons are typically deleterious in nature; however, an alternate initiation codon exists two residues downstream of this alteration, and is reported to result in a biologically active isoform, known as VHL19 (Iliopoulos O et al. Proc. Natl. Acad. Sci. U.S.A. 1998 Sep; 95(20):11661-6. Schoenfeld A et al. Proc. Natl. Acad. Sci. U.S.A. 1998 Jul; 95(15):8817-22). Based on the available evidence, the clinical significance of this variant remains unclear.

All of Us Research Program, National Institutes of Health
Classification: Uncertain significance for Von Hippel-Lindau syndrome. Last evaluated: 2024-06-09. Review status: criteria provided, single submitter. Criteria: ACMG Guidelines, 2015. Collection method: clinical testing. Allele origin: germline. Inheritance: Autosomal dominant inheritance. Observed: 8 variant alleles, 8 heterozygotes.
Comment: This variant changes 1 nucleotide in exon 1 of the VHL gene, creating a premature translation stop signal. This variant is expected to result in an absent or non-functional protein product. However, there is a naturally occurring VHL protein isoform that has start of translation at methionine 54 and appears to retain tumor suppressor activity (PMID: 9671762, 9751722, 10102622), which may ameliorate the deleterious effects of this N-terminal frameshift. To our knowledge, functional studies have not been reported for this variant. This variant has been reported three individuals affected with VHL-associated clinical features including one individual affected with central nervous system hemangioblastoma and pancreatic cyst (PMID: 21463266), an individual affected with multiple retinal and cerebellar hemangioblastoma (PMID: 34566400), and an individual affected with renal cell carcinoma (PMID: 28873162). This variant also has been reported in one individual each affected with pancreatic and breast cancer (PMID: 26681312, 28454591), two individuals affected with erythrocytosis (PMID: 27651169, 29790589) and an individual affected with malignant pleural mesothelioma (PMID: 35032816). This variant has been identified in 4/222880 chromosomes in the general population by the Genome Aggregation Database (gnomAD). Loss of VHL function is a known mechanism of disease. The available evidence is insufficient to determine the role of this variant in disease conclusively. Therefore, this variant is classified as a Variant of Uncertain Significance.

This study involves interpretation of variants in research participants for the purpose of population health screening. Participant phenotype was not available at the time of variant classification. Additional details can be found in publication PMID: 35346344, PMCID: PMC8962531

NM_000551.4(VHL):c.154G>T (p.Glu52Ter)

Gene: VHL (von Hippel-Lindau tumor suppressor; plus strand). Cytogenetic location: 3p25.3.
Variant type: single nucleotide variant.
Coding change: c.154G>T on transcript NM_000551.4 (MANE Select); coding-DNA position 154, G replaced by T.
Protein change: p.Glu52Ter; replaces glutamic acid 52 with a stop codon.
Molecular consequence: nonsense.
Genome position (GRCh38, 1-based): chr3:10,142,001, G>T. VCF-style: chr3-10142001-G-T. GRCh37 (hg19) VCF-style: chr3-10183685-G-T.
Other names: p.E52*:GAG>TAG; c.154G>T, p.Glu52Ter (NM_001354723.2, NM_198156.3); short protein forms E52*.
Identifiers: ClinVar variation 182982 (VCV000182982.37), dbSNP rs373068386, ClinGen allele CA020061.